The following is an entry in ClinVar:

NM_032043.3(BRIP1):c.3400C>G (p.Pro1134Ala)

Gene: BRIP1 (BRCA1 interacting DNA helicase 1; minus strand). Cytogenetic location: 17q23.2.
Variant type: single nucleotide variant.
Coding change: c.3400C>G on transcript NM_032043.3 (MANE Select); coding-DNA position 3400, C replaced by G.
Protein change: p.Pro1134Ala; replaces proline 1134 with alanine.
Molecular consequence: missense variant.
Genome position (GRCh38, 1-based): chr17:61,683,646, G>C on the plus strand (C>G on the coding strand, the complement: BRIP1 is on the minus strand). VCF-style: chr17-61683646-G-C. GRCh37 (hg19) VCF-style: chr17-59761007-G-C.
Other names: short protein forms P1134A.
Identifiers: ClinVar variation 4216247 (VCV004216247.1).

ClinVar aggregate classification (germline): Uncertain significance (1 of 4 stars; one submission).

Conditions:
Hereditary cancer-predisposing syndrome. Also called: Hereditary Cancer Syndrome; Hereditary neoplastic syndrome; Neoplastic Syndromes, Hereditary; Tumor predisposition. Identifiers: Orphanet 140162, MedGen C0027672, MeSH D009386, MONDO:0015356.

Submission:

Ambry Genetics
Classification: Uncertain significance for Hereditary cancer-predisposing syndrome. Last evaluated: 2025-06-22. Review status: criteria provided, single submitter. Criteria: Ambry Variant Classification Scheme 2023. Collection method: clinical testing. Allele origin: germline.
Comment: The p.P1134A variant (also known as c.3400C>G), located in coding exon 19 of the BRIP1 gene, results from a C to G substitution at nucleotide position 3400. The proline at codon 1134 is replaced by alanine, an amino acid with highly similar properties. This amino acid position is conserved. In addition, the in silico prediction for this alteration is inconclusive. Based on the available evidence, the clinical significance of this variant remains unclear.